The following is an entry in ClinVar:

NM_003664.5(AP3B1):c.1363+1G>A

Gene: AP3B1 (adaptor related protein complex 3 subunit beta 1; minus strand). Cytogenetic location: 5q14.1.
Variant type: single nucleotide variant.
Coding change: c.1363+1G>A on transcript NM_003664.5 (MANE Select); the canonical splice donor site of the intron after coding-DNA position 1363, G replaced by A.
Molecular consequence: splice donor variant.
Genome position (GRCh38, 1-based): chr5:78,162,818, C>T on the plus strand (G>A on the coding strand, the complement: AP3B1 is on the minus strand). VCF-style: chr5-78162818-C-T. GRCh37 (hg19) VCF-style: chr5-77458642-C-T.
Other names: c.1216+1G>A (NM_001271769.2); c.1363+1G>A (NM_001410752.1).
Identifiers: ClinVar variation 2676731 (VCV002676731.3), dbSNP rs2531076655, ClinGen allele CA360189886.
Genomic context (GRCh38, chr5:78,162,818, plus strand): 5'-AATAATACCAAGAATATTCAAATTTAAATCACCTGAAAATAAAATGAAACTGTAAACTTA[C>T]CATCCCTGTTGGACAGCAGACAGACCAAGCCATTGAGGCACGTGTCAGTGACTTCCAAGA-3'

ClinVar aggregate classification (germline): Pathogenic. Review status: criteria provided, multiple submitters, no conflicts (2 of 4 stars). 2 submissions from 2 submitters: Pathogenic (2). Last evaluated 2023-07-02.

Conditions:
Hermansky-Pudlak syndrome 2 (HPS2). Also called: Platelet defects and oculocutaneous albinism. Identifiers: Orphanet 183678, Orphanet 79430, MedGen C1842362, MONDO:0011997, OMIM 608233.

Submissions (2):

Baylor Genetics
Classification: Pathogenic for Hermansky-Pudlak syndrome 2. Last evaluated: 2023-07-02. Review status: criteria provided, single submitter. Criteria: ACMG Guidelines, 2015. Collection method: clinical testing. Allele origin: unknown.

Juno Genomics, Hangzhou Juno Genomics, Inc
Classification: Pathogenic for Hermansky-Pudlak syndrome 2. Review status: criteria provided, single submitter. Criteria: ACMG Guidelines, 2015. Collection method: clinical testing. Allele origin: germline.
Comment: Absent from controls (or at extremely low frequency if recessive) in Genome Aggregation Database.;Null variant in a gene where loss of function (LOF) is a known mechanism of disease.;For recessive disorders, detected in trans with a pathogenic variant.